The following is an entry in ClinVar:

NM_004370.6(COL12A1):c.1270C>A (p.Pro424Thr)

Gene: COL12A1 (collagen type XII alpha 1 chain; minus strand). Cytogenetic location: 6q13.
Variant type: single nucleotide variant.
Coding change: c.1270C>A on transcript NM_004370.6 (MANE Select); coding-DNA position 1270, C replaced by A.
Protein change: p.Pro424Thr; replaces proline 424 with threonine.
Molecular consequence: missense variant. On other transcripts: intron variant (2).
Genome position (GRCh38, 1-based): chr6:75,183,872, G>T on the plus strand (C>A on the coding strand, the complement: COL12A1 is on the minus strand). VCF-style: chr6-75183872-G-T. GRCh37 (hg19) VCF-style: chr6-75893588-G-T.
Other names: c.1270C>A, p.Pro424Thr (NM_001424113.1, NM_001424114.1, NM_001424115.1); c.73+18848C>A (NM_001424116.1, NM_080645.3); short protein forms P424T.
Identifiers: ClinVar variation 4789893 (VCV004789893.1).
Genomic context (GRCh38, chr6:75,183,872, plus strand): 5'-TCTTCACATATTCCAAATACAATGATGCACACATTGACTTACCCACTTGAACTTTCATTG[G>T]CTGAGTCTTCTCCATTATTGAAATGGGTTCACTGGATGTCATTCCCTTCATGGCGGAAAC-3'
Protein context (NP_004361.3, residues 414-434): EPISIMEKTQ[Pro424Thr]MKVQVECSRG

ClinVar aggregate classification (germline): Uncertain significance (1 of 4 stars; one submission).

Conditions:
Ullrich congenital muscular dystrophy 2 (UCMD2). Identifiers: Orphanet 75840, MedGen C4225314, MONDO:0014654, OMIM 616470.
Bethlem myopathy 2 (BTHLM2). Identifiers: Orphanet 536516, Orphanet 610, MedGen C4225313, MONDO:0034022, OMIM 616471.

Submission:

Labcorp Genetics (formerly Invitae), Labcorp
Classification: Uncertain significance for Bethlem myopathy 2; Ullrich congenital muscular dystrophy 2. Last evaluated: 2025-09-23. Review status: criteria provided, single submitter. Criteria: Invitae Variant Classification Sherloc (09022015). Collection method: clinical testing. Allele origin: germline.
Comment: This sequence change replaces proline, which is neutral and non-polar, with threonine, which is neutral and polar, at codon 424 of the COL12A1 protein (p.Pro424Thr). This variant is not present in population databases (gnomAD no frequency). This variant has not been reported in the literature in individuals affected with COL12A1-related conditions. Invitae Evidence Modeling of protein sequence and biophysical properties (such as structural, functional, and spatial information, amino acid conservation, physicochemical variation, residue mobility, and thermodynamic stability) indicates that this missense variant is not expected to disrupt COL12A1 protein function with a negative predictive value of 80%. In summary, the available evidence is currently insufficient to determine the role of this variant in disease. Therefore, it has been classified as a Variant of Uncertain Significance.